The following is an entry in ClinVar:

NM_015512.5(DNAH1):c.10823+2T>C

Gene: DNAH1 (dynein axonemal heavy chain 1; plus strand). Cytogenetic location: 3p21.1.
Variant type: single nucleotide variant.
Coding change: c.10823+2T>C on transcript NM_015512.5 (MANE Select); the canonical splice donor site of the intron after coding-DNA position 10823, T replaced by C.
Molecular consequence: splice donor variant.
Genome position (GRCh38, 1-based): chr3:52,394,663, T>C. VCF-style: chr3-52394663-T-C. GRCh37 (hg19) VCF-style: chr3-52428679-T-C.
Identifiers: ClinVar variation 2949325 (VCV002949325.3), dbSNP rs2471292410, ClinGen allele CA353206301.

ClinVar aggregate classification (germline): Likely pathogenic (1 of 4 stars; one submission).

Conditions:
Spermatogenic failure 18. Identifiers: MedGen C4539783, MONDO:0054615, OMIM 617576.
Ciliary dyskinesia, primary, 37 (CILD37). Also called: CILIARY DYSKINESIA, PRIMARY, 37, WITH OR WITHOUT SITUS INVERSUS. Identifiers: MedGen C4539798, MONDO:0033204, OMIM 617577.

Submission:

Labcorp Genetics (formerly Invitae), Labcorp
Classification: Likely pathogenic for Ciliary dyskinesia, primary, 37; Spermatogenic failure 18. Last evaluated: 2024-04-25. Review status: criteria provided, single submitter. Criteria: Invitae Variant Classification Sherloc (09022015). Collection method: clinical testing. Allele origin: germline.
Comment: This sequence change affects a donor splice site in intron 67 of the DNAH1 gene. It is expected to disrupt RNA splicing. Variants that disrupt the donor or acceptor splice site typically lead to a loss of protein function (PMID: 16199547), and loss-of-function variants in DNAH1 are known to be pathogenic (PMID: 27573432, 27798045). This variant is not present in population databases (gnomAD no frequency). This variant has not been reported in the literature in individuals affected with DNAH1-related conditions. Algorithms developed to predict the effect of sequence changes on RNA splicing suggest that this variant may disrupt the consensus splice site. In summary, the currently available evidence indicates that the variant is pathogenic, but additional data are needed to prove that conclusively. Therefore, this variant has been classified as Likely Pathogenic.

Literature cited by the submitters: PubMed 16199547; PubMed 27573432; PubMed 27798045.